The following is an entry in ClinVar:

ClinVar aggregate classification (germline): Uncertain significance (0 of 4 stars; one submission).

Conditions:
UCP3-related disorder. Also called: UCP3-related condition.

Submission:

PreventionGenetics, part of Exact Sciences
Classification: Uncertain significance for UCP3-related condition. Last evaluated: 2024-07-29. Review status: no assertion criteria provided. Collection method: clinical testing. Allele origin: germline.
Comment: The UCP3 c.374C>A variant is predicted to result in the amino acid substitution p.Thr125Asn. To our knowledge, this variant has not been reported in the literature or in a large population database, indicating this variant is rare. At this time, the clinical significance of this variant is uncertain due to the absence of conclusive functional and genetic evidence.

NM_003356.4(UCP3):c.374C>A (p.Thr125Asn)

Gene: UCP3 (uncoupling protein 3; minus strand). Cytogenetic location: 11q13.4.
Variant type: single nucleotide variant.
Coding change: c.374C>A on transcript NM_003356.4 (MANE Select); coding-DNA position 374, C replaced by A.
Protein change: p.Thr125Asn; replaces threonine 125 with asparagine.
Molecular consequence: missense variant.
Genome position (GRCh38, 1-based): chr11:74,005,897, G>T on the plus strand (C>A on the coding strand, the complement: UCP3 is on the minus strand). VCF-style: chr11-74005897-G-T. GRCh37 (hg19) VCF-style: chr11-73716942-G-T.
Other names: c.374C>A, p.Thr125Asn (NM_022803.3); short protein forms T125N.
Identifiers: ClinVar variation 3354856 (VCV003354856.1).